The following is an entry in ClinVar:

ClinVar aggregate classification (germline): Conflicting classifications of pathogenicity. Review status: criteria provided, conflicting classifications (1 of 4 stars). 7 submissions from 7 submitters: Uncertain significance (2); Likely benign (4). 1 of the submissions does not count toward it. Last evaluated 2026-01-26.

Conditions:
Hereditary cancer-predisposing syndrome. Also called: Hereditary neoplastic syndrome; Hereditary Cancer Syndrome; Tumor predisposition; Neoplastic Syndromes, Hereditary. Identifiers: Orphanet 140162, MedGen C0027672, MeSH D009386, MONDO:0015356.
Hereditary breast ovarian cancer syndrome. Also called: Breast and ovarian cancer; Hereditary breast and ovarian cancer; BRCA1- and BRCA2-Associated Hereditary Breast and Ovarian Cancer; Hereditary breast and/or ovarian cancer syndrome; Hereditary breast and ovarian cancer syndrome; Hereditary breast and ovarian cancer syndrome (HBOC). Identifiers: Orphanet 145, MedGen C0677776, MeSH D061325, MONDO:0003582. Disease mechanism: loss of function.
BRCA2-related cancer predisposition. Identifiers: MedGen CN377758, MONDO:0700269.
Breast neoplasm. Also called: Neoplasm of breast; Breast tumor; Breast Neoplasms; Neoplasm of the breast. Identifiers: MedGen C1458155, MeSH D001943, MONDO:0021100, HP:0100013. Disease mechanism: gain of function.

Allele frequency attached by ClinVar (database versions not stated): gnomAD exomes below 0.00001.
gnomAD v4.1: 2 of 1,613,724 alleles (0.00012%); highest among the groups gnomAD compares: East Asian, 0.0045%; no homozygotes.

Submissions (7):

Labcorp Genetics (formerly Invitae), Labcorp
Classification: Likely benign for Hereditary breast ovarian cancer syndrome. Last evaluated: 2026-01-26. Review status: criteria provided, single submitter. Criteria: Invitae Variant Classification Sherloc (09022015). Collection method: clinical testing. Allele origin: germline.

Ambry Genetics
Classification: Uncertain significance for Hereditary cancer-predisposing syndrome. Last evaluated: 2024-09-06. Review status: criteria provided, single submitter. Criteria: Ambry Variant Classification Scheme 2023. Collection method: clinical testing. Allele origin: germline.
Comment: The c.63A>G variant (also known as p.K21K), located in coding exon 1 of the BRCA2 gene, results from an A to G substitution at nucleotide position 63. This nucleotide substitution does not change the lysine at codon 21. This nucleotide position is highly conserved in available vertebrate species. In silico splice site analysis predicts that this alteration will result in the creation or strengthening of a novel splice donor site; however, direct evidence is insufficient at this time (Ambry internal data). Based on the available evidence, the clinical significance of this variant remains unclear.

All of Us Research Program, National Institutes of Health
Classification: Likely benign for BRCA2-related cancer predisposition. Last evaluated: 2024-06-11. Review status: criteria provided, single submitter. Criteria: ACMG Guidelines, 2015. Collection method: clinical testing. Allele origin: germline. Inheritance: Autosomal dominant inheritance. Observed: 1 variant allele, 1 heterozygote.
Comment: This study involves interpretation of variants in research participants for the purpose of population health screening. Participant phenotype was not available at the time of variant classification. Additional details can be found in publication PMID: 35346344, PMCID: PMC8962531

Women's Health and Genetics/Laboratory Corporation of America, LabCorp
Classification: Likely benign. Last evaluated: 2022-02-03. Review status: criteria provided, single submitter. Criteria: LabCorp Variant Classification Summary - May 2015. Collection method: clinical testing. Allele origin: germline.
Comment: Variant summary: BRCA2 c.63A>G alters a non-conserved nucleotide resulting in a synonymous change. 4/4 computational tools predict no significant impact on normal splicing. However, these predictions have yet to be confirmed by functional studies. The variant was absent in 251130 control chromosomes. The available data on variant occurrences in the general population are insufficient to allow any conclusion about variant significance. To our knowledge, no occurrence of c.63A>G in individuals affected with Hereditary Breast And Ovarian Cancer Syndrome and no experimental evidence demonstrating its impact on protein function have been reported. Five clinical diagnostic laboratories have submitted clinical-significance assessments for this variant to ClinVar after 2014 without evidence for independent evaluation. Multiple laboratories reported the variant with conflicting assessments. Based on the evidence outlined above, the variant was classified as likely benign.

Color Diagnostics, LLC DBA Color Health
Classification: Likely benign for Hereditary cancer-predisposing syndrome. Last evaluated: 2019-02-04. Review status: criteria provided, single submitter. Criteria: ACMG Guidelines, 2015. Collection method: clinical testing. Allele origin: germline.

Quest Diagnostics Nichols Institute San Juan Capistrano
Classification: Uncertain significance. Last evaluated: 2016-12-06. Review status: criteria provided, single submitter. Criteria: Quest Diagnostics criteria. Collection method: clinical testing. Allele origin: germline.

3DMed Clinical Laboratory Inc
Classification: Uncertain significance for Neoplasm of the breast. Last evaluated: 2017-04-21. Review status: no assertion criteria provided. Criteria: ACMG Guidelines, 2015. Collection method: clinical testing. Allele origin: germline. Affected: yes. Not counted in ClinVar's aggregate classification.

NM_000059.4(BRCA2):c.63A>G (p.Lys21=)

Gene: BRCA2 (BRCA2 DNA repair associated; plus strand). Cytogenetic location: 13q13.1.
Variant type: single nucleotide variant.
Coding change: c.63A>G on transcript NM_000059.4 (MANE Select); coding-DNA position 63, A replaced by G.
Protein change: p.Lys21=; no amino-acid change (lysine 21 retained).
Molecular consequence: synonymous variant.
Genome position (GRCh38, 1-based): chr13:32,316,523, A>G. VCF-style: chr13-32316523-A-G. GRCh37 (hg19) VCF-style: chr13-32890660-A-G.
Identifiers: ClinVar variation 438997 (VCV000438997.16), dbSNP rs1280004443, ClinGen allele CA483272670.